The following is an entry in ClinVar:

ClinVar aggregate classification (germline): Pathogenic (1 of 4 stars; one submission).

Conditions:
Neuronal ceroid lipofuscinosis 7 (CLN7). Also called: MFSD8-Related Neuronal Ceroid-Lipofuscinosis. Identifiers: Orphanet 168491, Orphanet 228366, MedGen C1838571, MONDO:0012588, OMIM 610951.

Submission:

Labcorp Genetics (formerly Invitae), Labcorp
Classification: Pathogenic for Neuronal ceroid lipofuscinosis 7. Last evaluated: 2020-01-18. Review status: criteria provided, single submitter. Criteria: Invitae Variant Classification Sherloc (09022015). Collection method: clinical testing. Allele origin: germline.
Comment: For these reasons, this variant has been classified as Pathogenic. Loss-of-function variants in MFSD8 are known to be pathogenic (PMID: 19177532, 25227500, 28586915). This variant has not been reported in the literature in individuals with MFSD8-related conditions. This variant is not present in population databases (ExAC no frequency). This sequence change creates a premature translational stop signal (p.Ile374Serfs*40) in the MFSD8 gene. It is expected to result in an absent or disrupted protein product.

Literature cited by the submitters: PubMed 19177532; PubMed 25227500; PubMed 28586915.

NM_001371596.2(MFSD8):c.1120del (p.Ile374fs)

Gene: MFSD8 (major facilitator superfamily domain containing 8; minus strand). Cytogenetic location: 4q28.2.
Variant type: Deletion.
Coding change: c.1120del on transcript NM_001371596.2 (MANE Select); coding-DNA position 1120, one base deleted (A; older notation c.1120delA).
Protein change: p.Ile374fs; shifts the reading frame from isoleucine 374.
Molecular consequence: frameshift variant.
Genome position (GRCh38, 1-based): chr4:127,921,754, T deleted on the plus strand (A on the coding strand, the reverse complement: MFSD8 is on the minus strand); the first of 2 consecutive T bases (chr4:127,921,754-127,921,755); deleting either gives the same sequence. VCF-style (leftmost placement, unchanged base first): chr4-127921753-AT-A. GRCh37 (hg19) VCF-style: chr4-128842908-AT-A.
Other names: c.918delA, p.Ile307Serfs (NM_001363520.3); c.804delA, p.Ile269Serfs (NM_001363521.3); c.984delA, p.Ile329Serfs (NM_001371590.2); c.1119delA, p.Ile374Serfs (NM_001371591.2); c.1125delA, p.Ile376Serfs (NM_001371592.2); c.1005delA, p.Ile336Serfs (NM_001371593.2); c.972delA, p.Ile325Serfs (NM_001371594.2); c.838del, p.Ile280fs (NM_001371595.1); and 3 more; short protein forms I269fs, I280fs, I307fs, I325fs, I329fs, I336fs, I374fs, I376fs.
Identifiers: ClinVar variation 1073899 (VCV001073899.7), dbSNP rs2148840396, ClinGen allele CA2499217083.
Genomic context (GRCh38, chr4:127,921,753, plus strand): 5'-TCATCTTCCATTGGAGACTTCCAAAGACCAATAATAATTTCCCCAAATGTGGTATTAGGG[AT>A]TGAATTATTGTGCAAATCTGTAAAAACAAAACCATTGCAGTGCATTACTTGTTGATTTTA-3'